The following is an entry in ClinVar:

ClinVar aggregate classification (germline): Likely benign. Review status: criteria provided, single submitter (1 of 4 stars). 2 submissions from 2 submitters: Likely benign (1). 1 of the submissions does not count toward it. Last evaluated 2024-06-20.

Conditions:
TBX15-related disorder. Also called: TBX15-related condition.

Allele frequency attached by ClinVar (database versions not stated): ExAC 0.00007; gnomAD 0.00013; 1000 Genomes Project 30x 0.00016; TOPMed 0.00019; 1000 Genomes Project 0.00020.
gnomAD v4.1: 251 of 1,550,390 alleles (0.016%); highest among the groups gnomAD compares: Middle Eastern, 0.45%; no homozygotes.

Submissions (2):

Blueprint Genetics
Classification: Likely benign. Last evaluated: 2024-06-20. Review status: criteria provided, single submitter. Criteria: ACMG Guidelines, 2015. Collection method: clinical testing. Allele origin: germline.

PreventionGenetics, part of Exact Sciences
Classification: Likely benign for TBX15-related condition. Last evaluated: 2020-07-01. Review status: no assertion criteria provided. Collection method: clinical testing. Allele origin: germline. Not counted in ClinVar's aggregate classification.
Comment: This variant is classified as likely benign based on ACMG/AMP sequence variant interpretation guidelines (Richards et al. 2015 PMID: 25741868, with internal and published modifications).

NM_001330677.2(TBX15):c.97C>A (p.Arg33=)

Gene: TBX15 (T-box transcription factor 15; minus strand). Cytogenetic location: 1p12.
Variant type: single nucleotide variant.
Coding change: c.97C>A on transcript NM_001330677.2 (MANE Select); coding-DNA position 97, C replaced by A.
Protein change: p.Arg33=; no amino-acid change (arginine 33 retained).
Molecular consequence: synonymous variant. On other transcripts: intron variant (1).
Genome position (GRCh38, 1-based): chr1:118,987,699, G>T on the plus strand (C>A on the coding strand, the complement: TBX15 is on the minus strand). VCF-style: chr1-118987699-G-T. GRCh37 (hg19) VCF-style: chr1-119530322-G-T.
Other names: c.-114+1656C>A (NM_152380.3).
Identifiers: ClinVar variation 3049002 (VCV003049002.3), dbSNP rs542551582, ClinGen allele CA1035141.
Genomic context (GRCh38, chr1:118,987,699, plus strand): 5'-GTGGGCCCGCGGGGCTCAGCGCCTCCATAGACAGGTCCAGCCCCTTCTCCTCCCAGTCTC[G>T]CAGTTTCCGTTTTTTATTTGAGCCGATCAAGGCTTCAACGGAGAAGGCATGTGCTCGCGA-3'
Protein context (NP_001317606.1, residues 23-43): LIGSNKKRKL[Arg33=]DWEEKGLDLS